The following is an entry in ClinVar:

NM_003107.3(SOX4):c.256A>G (p.Asn86Asp)

Gene: SOX4 (SRY-box transcription factor 4; plus strand). Cytogenetic location: 6p22.3.
Variant type: single nucleotide variant.
Coding change: c.256A>G on transcript NM_003107.3 (MANE Select); coding-DNA position 256, A replaced by G.
Protein change: p.Asn86Asp; replaces asparagine 86 with aspartic acid.
Molecular consequence: missense variant.
Genome position (GRCh38, 1-based): chr6:21,594,790, A>G. VCF-style: chr6-21594790-A-G. GRCh37 (hg19) VCF-style: chr6-21595021-A-G.
Other names: short protein forms N86D.
Identifiers: ClinVar variation 3960011 (VCV003960011.3).

ClinVar aggregate classification (germline): Uncertain significance (1 of 4 stars; one submission).

Conditions:
Inborn genetic diseases. Identifiers: MedGen C0950123, MeSH D030342.

Submission:

Ambry Genetics
Classification: Uncertain significance for Inborn genetic diseases. Last evaluated: 2025-11-05. Review status: criteria provided, single submitter. Criteria: Ambry Variant Classification Scheme 2023. Collection method: clinical testing. Allele origin: germline.
Comment: The c.256A>G (p.N86D) alteration is located in exon 1 (coding exon 1) of the SOX4 gene. This alteration results from a A to G substitution at nucleotide position 256, causing the asparagine (N) at amino acid position 86 to be replaced by an aspartic acid (D). This variant was not reported in population-based cohorts in the Genome Aggregation Database (gnomAD). This amino acid position is highly conserved in available vertebrate species. This alteration is predicted to be deleterious by in silico analysis. Based on insufficient or conflicting evidence, the clinical significance of this alteration remains unclear.